The following is an entry in ClinVar:

NM_001401501.2(MUC16):c.30810C>G (p.Pro10270=)

Gene: MUC16 (mucin 16, cell surface associated; minus strand). Cytogenetic location: 19p13.2.
Variant type: single nucleotide variant.
Coding change: c.30810C>G on transcript NM_001401501.2 (MANE Select); coding-DNA position 30810, C replaced by G.
Protein change: p.Pro10270=; no amino-acid change (proline 10270 retained).
Molecular consequence: synonymous variant.
Genome position (GRCh38, 1-based): chr19:8,946,080, G>C on the plus strand (C>G on the coding strand, the complement: MUC16 is on the minus strand). VCF-style: chr19-8946080-G-C. GRCh37 (hg19) VCF-style: chr19-9056756-G-C.
Other names: c.31236C>G, p.Pro10412= (NM_001414686.1); c.30690C>G, p.Pro10230= (NM_001414687.1, NM_024690.2).
Identifiers: ClinVar variation 3043756 (VCV003043756.2), dbSNP rs61732918, ClinGen allele CA9167058.

ClinVar aggregate classification (germline): Benign (0 of 4 stars; one submission).

Conditions:
MUC16-related disorder. Also called: MUC16-related condition.

Allele frequency attached by ClinVar (database versions not stated): ExAC 0.00313; 1000 Genomes Project 0.00998; 1000 Genomes Project 30x 0.00999; gnomAD 0.01057; ESP Exome Variant Server 0.01060; TOPMed 0.01254.

Submission:

PreventionGenetics, part of Exact Sciences
Classification: Benign for MUC16-related condition. Last evaluated: 2019-06-06. Review status: no assertion criteria provided. Collection method: clinical testing. Allele origin: germline.
Comment: This variant is classified as benign based on ACMG/AMP sequence variant interpretation guidelines (Richards et al. 2015 PMID: 25741868, with internal and published modifications).